The following is an entry in ClinVar:

NM_024649.5(BBS1):c.800G>T (p.Cys267Phe)

Genes: BBS1 (Bardet-Biedl syndrome 1; plus strand), ZDHHC24 (zDHHC palmitoyltransferase 24; minus strand). Cytogenetic location: 11q13.2.
Variant type: single nucleotide variant.
Coding change: c.800G>T on transcript NM_024649.5 (MANE Select); coding-DNA position 800, G replaced by T.
Protein change: p.Cys267Phe; replaces cysteine 267 with phenylalanine.
Molecular consequence: missense variant. On other transcripts: 3 prime UTR variant (1).
Genome position (GRCh38, 1-based): chr11:66,521,346, G>T. VCF-style: chr11-66521346-G-T. GRCh37 (hg19) VCF-style: chr11-66288817-G-T.
Other names: c.*142C>A (NM_001348571.2); short protein forms C267F.
Identifiers: ClinVar variation 3356631 (VCV003356631.1).

ClinVar aggregate classification (germline): Uncertain significance (0 of 4 stars; one submission).

Conditions:
BBS1-related disorder. Also called: BBS1-related condition.

Submission:

PreventionGenetics, part of Exact Sciences
Classification: Uncertain significance for BBS1-related condition. Last evaluated: 2024-08-23. Review status: no assertion criteria provided. Collection method: clinical testing. Allele origin: germline.
Comment: The BBS1 c.800G>T variant is predicted to result in the amino acid substitution p.Cys267Phe. To our knowledge, this variant has not been reported in the literature or in a large population database, indicating this variant is rare. At this time, the clinical significance of this variant is uncertain due to the absence of conclusive functional and genetic evidence.